The following is an entry in ClinVar:

ClinVar aggregate classification (germline): Uncertain significance (1 of 4 stars; one submission).

Conditions:
TRIP12-related disorder. Also called: TRIP12-related condition.

Submission:

PreventionGenetics, part of Exact Sciences
Classification: Uncertain significance for TRIP12-related condition. Last evaluated: 2023-05-02. Review status: criteria provided, single submitter. Criteria: ACMG Guidelines, 2015. Collection method: clinical testing. Allele origin: germline.
Comment: The TRIP12 c.4353G>C variant is predicted to result in the amino acid substitution p.Glu1451Asp. To our knowledge, this variant has not been reported in the literature or in a large population database, indicating this variant is rare. At this time, the clinical significance of this variant is uncertain due to the absence of conclusive functional and genetic evidence.

NM_001348323.3(TRIP12):c.4434G>C (p.Glu1478Asp)

Gene: TRIP12 (thyroid hormone receptor interactor 12; minus strand). Cytogenetic location: 2q36.3.
Variant type: single nucleotide variant.
Coding change: c.4434G>C on transcript NM_001348323.3 (MANE Select); coding-DNA position 4434, G replaced by C.
Protein change: p.Glu1478Asp; replaces glutamic acid 1478 with aspartic acid.
Molecular consequence: missense variant.
Genome position (GRCh38, 1-based): chr2:229,791,233, C>G on the plus strand (G>C on the coding strand, the complement: TRIP12 is on the minus strand). VCF-style: chr2-229791233-C-G. GRCh37 (hg19) VCF-style: chr2-230655949-C-G.
Other names: c.4353G>C, p.Glu1451Asp (NM_001284214.2, NM_001348315.2); c.4308G>C, p.Glu1436Asp (NM_001284215.2, NM_001348316.2); c.3399G>C, p.Glu1133Asp (NM_001284216.2); c.4293G>C, p.Glu1431Asp (NM_001348317.1, NM_001348318.2); c.4419G>C, p.Glu1473Asp (NM_001348319.1, NM_001348320.2); c.4422G>C, p.Glu1474Asp (NM_001348321.1); c.4434G>C, p.Glu1478Asp (NM_001348322.1, NM_001348324.2, NM_001348325.2 and 2 more transcripts); c.4437G>C, p.Glu1479Asp (NM_001348328.1, NM_001348329.2, NM_001348330.2); and 4 more; short protein forms E1133D, E1403D, E1404D, E1431D, E1436D, E1444D, E1451D, E1452D.
Identifiers: ClinVar variation 2633195 (VCV002633195.1), dbSNP rs2471122222, ClinGen allele CA350898412.
Genomic context (GRCh38, chr2:229,791,233, plus strand): 5'-TGGAGCTGTTTGGGCTCTTCCTCTTTTACCACCAACACAATCTTTATTACTTTCTTCATC[C>G]TCTCTCACAGGTTTATACCTAAAATGACAAGACAGTATATAAACCAAATGTAGATTTTGA-3'
Protein context (NP_001335252.1, residues 1468-1488): THTIWYKPVR[Glu1478Asp]DEESNKDCVG